The following is an entry in ClinVar:

ClinVar aggregate classification (germline): Uncertain significance (1 of 4 stars; one submission).

gnomAD v4.1: 3 of 1,209,100 alleles (0.00025%); highest among the groups gnomAD compares: Admixed American, 0.0022%; no homozygotes.

Submission:

GeneDx
Classification: Uncertain significance. Last evaluated: 2026-09-05. Review status: criteria provided, single submitter. Criteria: GeneDx Variant Classification Process June 2021. Collection method: clinical testing. Allele origin: germline.
Comment: In silico analysis suggests that this missense variant does not alter protein structure/function; Has not been previously published as pathogenic or benign to our knowledge

NM_031407.7(HUWE1):c.7451G>A (p.Arg2484His)

Genes: HUWE1 (HECT, UBA and WWE domain containing E3 ubiquitin protein ligase 1; minus strand), LOC126863262 (MED14-independent group 3 enhancer GRCh37_chrX:53588722-53589921; plus strand). Cytogenetic location: Xp11.22.
Variant type: single nucleotide variant.
Coding change: c.7451G>A on transcript NM_031407.7 (MANE Select); coding-DNA position 7451, G replaced by A.
Protein change: p.Arg2484His; replaces arginine 2484 with histidine.
Molecular consequence: missense variant. On other transcripts: intron variant (1).
Genome position (GRCh38, 1-based): chrX:53,561,812, C>T on the plus strand (G>A on the coding strand, the complement: HUWE1 is on the minus strand). VCF-style: chrX-53561812-C-T. GRCh37 (hg19) VCF-style: chrX-53588773-C-T.
Other names: c.7448G>A, p.Arg2483His (NM_001441048.1, NM_001441051.1, NM_001441053.1 and 2 more transcripts); c.7451G>A, p.Arg2484His (NM_001441049.1, NM_001441054.1, NM_001441057.1); c.7472G>A, p.Arg2491His (NM_001441050.1, NM_001441055.1); c.7106-1396G>A (NM_001441052.1); short protein forms R2483H, R2484H, R2491H.
Identifiers: ClinVar variation 4685108 (VCV004685108.2).